The following is an entry in ClinVar:

NM_001042492.3(NF1):c.4246C>G (p.Pro1416Ala)

Gene: NF1 (neurofibromin 1; plus strand). Cytogenetic location: 17q11.2.
Variant type: single nucleotide variant.
Coding change: c.4246C>G on transcript NM_001042492.3 (MANE Select); coding-DNA position 4246, C replaced by G.
Protein change: p.Pro1416Ala; replaces proline 1416 with alanine.
Molecular consequence: missense variant.
Genome position (GRCh38, 1-based): chr17:31,258,416, C>G. VCF-style: chr17-31258416-C-G. GRCh37 (hg19) VCF-style: chr17-29585434-C-G.
Other names: c.4183C>G, p.Pro1395Ala (NM_000267.4); short protein forms P1416A, P1395A.
Identifiers: ClinVar variation 1357520 (VCV001357520.6), dbSNP rs2151461990, ClinGen allele CA398997884.
Genomic context (GRCh38, chr17:31,258,416, plus strand): 5'-CGTTTCCCTCAGAACAGCATCGGTGCAGTAGGAAGTGCCATGTTCCTCAGATTTATCAAT[C>G]CTGCCATTGTCTCACCGTATGAAGCAGGGATTTTAGATAAAAAGCCACCACCTAGAATCG-3'
Protein context (NP_001035957.1, residues 1406-1426): GSAMFLRFIN[Pro1416Ala]AIVSPYEAGI

ClinVar aggregate classification (germline): Uncertain significance (1 of 4 stars; one submission).

Conditions:
Neurofibromatosis, type 1 (NF1). Also called: NEUROFIBROMATOSIS, TYPE I, SOMATIC; VON RECKLINGHAUSEN DISEASE; Neurofibromatosis, type I; Peripheral type neurofibromatosis. Identifiers: Orphanet 636, MedGen C0027831, MONDO:0018975, OMIM 162200. Disease mechanism: loss of function.

Submission:

Labcorp Genetics (formerly Invitae), Labcorp
Classification: Uncertain significance for Neurofibromatosis, type 1. Last evaluated: 2024-06-17. Review status: criteria provided, single submitter. Criteria: Invitae Variant Classification Sherloc (09022015). Collection method: clinical testing. Allele origin: germline.
Comment: This sequence change replaces proline, which is neutral and non-polar, with alanine, which is neutral and non-polar, at codon 1395 of the NF1 protein (p.Pro1395Ala). This variant is not present in population databases (gnomAD no frequency). This variant has not been reported in the literature in individuals affected with NF1-related conditions. ClinVar contains an entry for this variant (Variation ID: 1357520). Advanced modeling of protein sequence and biophysical properties (such as structural, functional, and spatial information, amino acid conservation, physicochemical variation, residue mobility, and thermodynamic stability) performed at Invitae indicates that this missense variant is expected to disrupt NF1 protein function with a positive predictive value of 95%. In summary, the available evidence is currently insufficient to determine the role of this variant in disease. Therefore, it has been classified as a Variant of Uncertain Significance.